The following is an entry in ClinVar:

NM_001084.5(PLOD3):c.81G>A (p.Arg27=)

Gene: PLOD3 (procollagen-lysine,2-oxoglutarate 5-dioxygenase 3; minus strand). Cytogenetic location: 7q22.1.
Variant type: single nucleotide variant.
Coding change: c.81G>A on transcript NM_001084.5 (MANE Select); coding-DNA position 81, G replaced by A.
Protein change: p.Arg27=; no amino-acid change (arginine 27 retained).
Molecular consequence: synonymous variant.
Genome position (GRCh38, 1-based): chr7:101,217,194, C>T on the plus strand (G>A on the coding strand, the complement: PLOD3 is on the minus strand). VCF-style: chr7-101217194-C-T. GRCh37 (hg19) VCF-style: chr7-100860475-C-T.
Other names: c.81G>A (NM_001084.4).
Identifiers: ClinVar variation 2160020 (VCV002160020.6), dbSNP rs910064708, ClinGen allele CA163354988.
Genomic context (GRCh38, chr7:101,217,194, plus strand): 5'-CTCGGCCGTGCCGGGCCTCCCCGGGATCTCACCTGGGTTGACCGGGTCTCGGCCCCGGGG[C>T]CGGTCGGAGGCTGAGGCCGCAGGGGGCAGCAGCAGCGGCAGCAGCAGCAGGAACCGGGGT-3'
Protein context (NP_001075.1, residues 17-37): LLPPAASASD[Arg27=]PRGRDPVNPE

ClinVar aggregate classification (germline): Likely benign. Review status: criteria provided, single submitter (1 of 4 stars). 2 submissions from 2 submitters: Likely benign (1). 1 of the submissions does not count toward it. Last evaluated 2025-12-14.

Conditions:
PLOD3-related disorder. Also called: PLOD3-related condition.

Allele frequency attached by ClinVar (database versions not stated): gnomAD exomes 0.00001; gnomAD 0.00011; TOPMed 0.00011.
gnomAD v4.1: 32 of 1,496,444 alleles (0.0021%); highest among the groups gnomAD compares: African/African-American, 0.038%; no homozygotes.

Submissions (2):

Labcorp Genetics (formerly Invitae), Labcorp
Classification: Likely benign. Last evaluated: 2025-12-14. Review status: criteria provided, single submitter. Criteria: Invitae Variant Classification Sherloc (09022015). Collection method: clinical testing. Allele origin: germline.

PreventionGenetics, part of Exact Sciences
Classification: Likely benign for PLOD3-related condition. Last evaluated: 2024-01-20. Review status: no assertion criteria provided. Collection method: clinical testing. Allele origin: germline. Not counted in ClinVar's aggregate classification.
Comment: This variant is classified as likely benign based on ACMG/AMP sequence variant interpretation guidelines (Richards et al. 2015 PMID: 25741868, with internal and published modifications).